The following is an entry in ClinVar:

NM_000548.5(TSC2):c.508G>A (p.Val170Ile)

Gene: TSC2 (TSC complex subunit 2; plus strand). Cytogenetic location: 16p13.3.
Variant type: single nucleotide variant.
Coding change: c.508G>A on transcript NM_000548.5 (MANE Select); coding-DNA position 508, G replaced by A.
Protein change: p.Val170Ile; replaces valine 170 with isoleucine.
Molecular consequence: missense variant. On other transcripts: intron variant (1).
Genome position (GRCh38, 1-based): chr16:2,055,428, G>A. VCF-style: chr16-2055428-G-A. GRCh37 (hg19) VCF-style: chr16-2105429-G-A.
Other names: c.508G>A, p.Val170Ile (NM_001077183.3, NM_001114382.3, NM_001363528.2 and 3 more transcripts); c.397G>A, p.Val133Ile (NM_001318827.2); c.361G>A, p.Val121Ile (NM_001318829.2); c.541G>A, p.Val181Ile (NM_001318832.2); c.-1-768G>A (NM_001318831.2); short protein forms V133I, V170I, V181I, V121I.
Identifiers: ClinVar variation 643303 (VCV000643303.17), dbSNP rs1596270815, ClinGen allele CA394309219.

ClinVar aggregate classification (germline): Conflicting classifications of pathogenicity. Review status: criteria provided, conflicting classifications (1 of 4 stars). 4 submissions from 4 submitters: Uncertain significance (2); Likely benign (2). Last evaluated 2025-03-12.

Conditions:
Tuberous sclerosis 2 (TSC2). Identifiers: Orphanet 805, MedGen C1860707, MONDO:0013199, OMIM 613254.
Lymphangiomyomatosis (LAM). Also called: Lymphangioleiomyomatosis, somatic; Lymphangioleiomyomatosis. Identifiers: Orphanet 538, MedGen C0751674, MONDO:0011705, OMIM 606690.
Isolated focal cortical dysplasia type II (FCORD2). Also called: CORTICAL DYSPLASIA OF TAYLOR; Focal cortical dysplasia type II. Identifiers: Orphanet 268994, MedGen C1846385, MONDO:0011818, OMIM 607341, HP:0032051.
Hereditary cancer-predisposing syndrome. Also called: Neoplastic Syndromes, Hereditary; Hereditary Cancer Syndrome; Hereditary neoplastic syndrome; Tumor predisposition. Identifiers: Orphanet 140162, MedGen C0027672, MeSH D009386, MONDO:0015356.

Allele frequency attached by ClinVar (database versions not stated): TOPMed below 0.00001.

Submissions (4):

Labcorp Genetics (formerly Invitae), Labcorp
Classification: Uncertain significance for Tuberous sclerosis 2. Last evaluated: 2025-03-12. Review status: criteria provided, single submitter. Criteria: Invitae Variant Classification Sherloc (09022015). Collection method: clinical testing. Allele origin: germline.
Comment: This sequence change replaces valine, which is neutral and non-polar, with isoleucine, which is neutral and non-polar, at codon 170 of the TSC2 protein (p.Val170Ile). This variant is not present in population databases (gnomAD no frequency). This variant has not been reported in the literature in individuals affected with TSC2-related conditions. ClinVar contains an entry for this variant (Variation ID: 643303). Invitae Evidence Modeling of protein sequence and biophysical properties (such as structural, functional, and spatial information, amino acid conservation, physicochemical variation, residue mobility, and thermodynamic stability) indicates that this missense variant is not expected to disrupt TSC2 protein function with a negative predictive value of 95%. In summary, the available evidence is currently insufficient to determine the role of this variant in disease. Therefore, it has been classified as a Variant of Uncertain Significance.

Fulgent Genetics
Classification: Uncertain significance for Lymphangiomyomatosis; Isolated focal cortical dysplasia type II; Tuberous sclerosis 2. Last evaluated: 2024-03-06. Review status: criteria provided, single submitter. Criteria: ACMG Guidelines, 2015. Collection method: clinical testing. Allele origin: germline.

Genome-Nilou Lab
Classification: Likely benign for Tuberous sclerosis 2. Last evaluated: 2021-11-07. Review status: criteria provided, single submitter. Criteria: ACMG Guidelines, 2015. Collection method: clinical testing. Allele origin: germline. Affected: no.

Ambry Genetics
Classification: Likely benign for Hereditary cancer-predisposing syndrome. Last evaluated: 2019-09-04. Review status: criteria provided, single submitter. Criteria: Ambry Variant Classification Scheme 2023. Collection method: clinical testing. Allele origin: germline.